The following is an entry in ClinVar:

NM_053025.4(MYLK):c.3858G>T (p.Val1286=)

Gene: MYLK (myosin light chain kinase; minus strand). Cytogenetic location: 3q21.1.
Variant type: single nucleotide variant.
Coding change: c.3858G>T on transcript NM_053025.4 (MANE Select); coding-DNA position 3858, G replaced by T.
Protein change: p.Val1286=; no amino-acid change (valine 1286 retained).
Molecular consequence: synonymous variant.
Genome position (GRCh38, 1-based): chr3:123,664,232, C>A on the plus strand (G>T on the coding strand, the complement: MYLK is on the minus strand). VCF-style: chr3-123664232-C-A. GRCh37 (hg19) VCF-style: chr3-123383079-C-A.
Other names: c.3330G>T, p.Val1110= (NM_001321309.2); c.3651G>T, p.Val1217= (NM_053026.4, NM_053028.4); c.3858G>T, p.Val1286= (NM_053027.4).
Identifiers: ClinVar variation 4534752 (VCV004534752.6).

ClinVar aggregate classification (germline): Likely benign (1 of 4 stars; one submission).

Submission:

CeGaT Center for Human Genetics Tuebingen
Classification: Likely benign. Last evaluated: 2025-10-01. Review status: criteria provided, single submitter. Criteria: CeGaT Center For Human Genetics Tuebingen Variant Classification Criteria Version 2. Collection method: clinical testing. Allele origin: germline. Affected: yes. Observed: 1 variant allele.
Comment: MYLK: PM2:Supporting, BP4, BP7